The following is an entry in ClinVar:

ClinVar aggregate classification (germline): Likely benign (1 of 4 stars; one submission).

Conditions:
ENPP1-related disorder. Also called: ENPP1-related disorders; ENPP1-related condition.

Submission:

PreventionGenetics, part of Exact Sciences
Classification: Likely benign for ENPP1-related condition. Last evaluated: 2025-04-27. Review status: criteria provided, single submitter. Criteria: ACMG Guidelines, 2015. Collection method: clinical testing. Allele origin: germline.
Comment: This variant is classified as likely benign based on ACMG/AMP sequence variant interpretation guidelines (Richards et al. 2015 PMID: 25741868, with internal and published modifications).

NM_006208.3(ENPP1):c.-13_-5dup

Gene: ENPP1 (ectonucleotide pyrophosphatase/phosphodiesterase 1; plus strand). Cytogenetic location: 6q23.2.
Variant type: Duplication.
Coding change: c.-13_-5dup on transcript NM_006208.3 (MANE Select); 13 bases upstream of the start codon through 5 bases upstream of the start codon, 9 bases duplicated (GGCCGGGGC; older notation c.-13_-5dupGGCCGGGGC).
Molecular consequence: 5 prime UTR variant.
Genome position (GRCh38, 1-based): chr6:131,808,023-131,808,031, GGCCGGGGC duplicated; duplicating any 9 consecutive bases within chr6:131,808,021-131,808,031 gives the same sequence; the c. name uses the placement nearest the transcript's 3' end. VCF-style (leftmost placement, unchanged base first): chr6-131808020-A-AGCGGCCGGG. GRCh37 (hg19) VCF-style: chr6-132129160-A-AGCGGCCGGG.
Identifiers: ClinVar variation 4987184 (VCV004987184.1).